The following is an entry in ClinVar:

NM_139343.3(BIN1):c.858-1472C>G

Gene: BIN1 (bridging integrator 1; minus strand). Cytogenetic location: 2q14.3.
Variant type: single nucleotide variant.
Coding change: c.858-1472C>G on transcript NM_139343.3 (MANE Select); 1472 bases into the intron before coding-DNA position 858, C replaced by G.
Molecular consequence: intron variant. On other transcripts: missense variant (3).
Genome position (GRCh38, 1-based): chr2:127,060,627, G>C on the plus strand (C>G on the coding strand, the complement: BIN1 is on the minus strand). VCF-style: chr2-127060627-G-C. GRCh37 (hg19) VCF-style: chr2-127818203-G-C.
Other names: c.778C>G, p.Leu260Val (NM_001320632.2, NM_004305.4, NM_139346.3); c.777-1472C>G (NM_001320642.1); c.693-1472C>G (NM_001320634.1); c.765-1472C>G (NM_139351.3, NM_139350.3, NM_139349.3 and 3 more transcripts); c.858-1472C>G (NM_001320633.2, NM_139345.3, NM_139344.3 and 1 more transcripts); c.778C>G (NM_001320632.1); short protein forms L260V.
Identifiers: ClinVar variation 1208027 (VCV001208027.6), dbSNP rs185803812, ClinGen allele CA1857287.

ClinVar aggregate classification (germline): Likely benign. Review status: criteria provided, multiple submitters, no conflicts (2 of 4 stars). 3 submissions from 3 submitters: Likely benign (2). 1 of the submissions does not count toward it. Last evaluated 2020-02-26.

Conditions:
BIN1-related disorder. Also called: BIN1-related condition.

Allele frequency attached by ClinVar (database versions not stated): gnomAD 0.00006 and 0.00007; 1000 Genomes Project 30x 0.00031; TOPMed 0.00036; 1000 Genomes Project 0.00040; ExAC 0.00061; gnomAD exomes 0.00075.
gnomAD v4.1: 209 of 1,614,228 alleles (0.013%); highest among the groups gnomAD compares: Admixed American, 0.34%; no homozygotes.

Submissions (3):

GeneDx
Classification: Likely benign. Last evaluated: 2020-02-26. Review status: criteria provided, single submitter. Criteria: GeneDx Variant Classification Process June 2021. Collection method: clinical testing. Allele origin: germline. Affected: yes.

Breakthrough Genomics
Classification: Likely benign. Review status: criteria provided, single submitter. Criteria: ACMG Guidelines, 2015. Collection method: not provided. Allele origin: germline. Inheritance: Autosomal recessive inheritance. Affected: yes.

PreventionGenetics, part of Exact Sciences
Classification: Likely benign for BIN1-related condition. Last evaluated: 2020-02-05. Review status: no assertion criteria provided. Collection method: clinical testing. Allele origin: germline. Not counted in ClinVar's aggregate classification.
Comment: This variant is classified as likely benign based on ACMG/AMP sequence variant interpretation guidelines (Richards et al. 2015 PMID: 25741868, with internal and published modifications).